The following is an entry in ClinVar:

ClinVar aggregate classification (germline): Uncertain significance. Review status: criteria provided, multiple submitters, no conflicts (2 of 4 stars). 3 submissions from 3 submitters: Uncertain significance (3). Last evaluated 2026-07-07.

Conditions:
Hereditary nonpolyposis colorectal neoplasms. Identifiers: MedGen C0009405, MeSH D003123.
Hereditary cancer-predisposing syndrome. Also called: Neoplastic Syndromes, Hereditary; Hereditary Cancer Syndrome; Tumor predisposition; Hereditary neoplastic syndrome. Identifiers: Orphanet 140162, MedGen C0027672, MeSH D009386, MONDO:0015356.

Submissions (3):

Ambry Genetics
Classification: Uncertain significance for Hereditary cancer-predisposing syndrome. Last evaluated: 2026-07-07. Review status: criteria provided, single submitter. Criteria: Ambry Variant Classification Scheme 2023. Collection method: clinical testing. Allele origin: germline.
Comment: The p.K142N variant (also known as c.426A>C), located in coding exon 5 of the PMS2 gene, results from an A to C substitution at nucleotide position 426. The lysine at codon 142 is replaced by asparagine, an amino acid with similar properties. This amino acid position is conserved. In addition, this alteration is predicted to be tolerated by in silico analysis. Based on the available evidence, the clinical significance of this variant remains unclear.

Labcorp Genetics (formerly Invitae), Labcorp
Classification: Uncertain significance for Hereditary nonpolyposis colorectal neoplasms. Last evaluated: 2024-03-26. Review status: criteria provided, single submitter. Criteria: Invitae Variant Classification Sherloc (09022015). Collection method: clinical testing. Allele origin: germline.
Comment: This sequence change replaces lysine, which is basic and polar, with asparagine, which is neutral and polar, at codon 142 of the PMS2 protein (p.Lys142Asn). This variant is not present in population databases (gnomAD no frequency). This variant has not been reported in the literature in individuals affected with PMS2-related conditions. ClinVar contains an entry for this variant (Variation ID: 928802). Advanced modeling of protein sequence and biophysical properties (such as structural, functional, and spatial information, amino acid conservation, physicochemical variation, residue mobility, and thermodynamic stability) has been performed at Invitae for this missense variant, however the output from this modeling did not meet the statistical confidence thresholds required to predict the impact of this variant on PMS2 protein function. In summary, the available evidence is currently insufficient to determine the role of this variant in disease. Therefore, it has been classified as a Variant of Uncertain Significance.

Women's Health and Genetics/Laboratory Corporation of America, LabCorp
Classification: Uncertain significance. Last evaluated: 2019-11-01. Review status: criteria provided, single submitter. Criteria: LabCorp Variant Classification Summary - May 2015. Collection method: clinical testing. Allele origin: germline.
Comment: Variant summary: PMS2 c.426A>C (p.Lys142Asn) results in a non-conservative amino acid change in the encoded protein sequence. Three of five in-silico tools predict a damaging effect of the variant on protein function. The variant was absent in 251140 control chromosomes. The available data on variant occurrences in the general population are insufficient to allow any conclusion about variant significance. To our knowledge, no occurrence of c.426A>C in individuals affected with Lynch Syndrome and no experimental evidence demonstrating its impact on protein function have been reported. No clinical diagnostic laboratories have submitted clinical-significance assessments for this variant to ClinVar after 2014. Based on the evidence outlined above, the variant was classified as uncertain significance.

NM_000535.7(PMS2):c.426A>C (p.Lys142Asn)

Gene: PMS2 (PMS1 homolog 2, mismatch repair system component; minus strand). Cytogenetic location: 7p22.1.
Variant type: single nucleotide variant.
Coding change: c.426A>C on transcript NM_000535.7 (MANE Select); coding-DNA position 426, A replaced by C.
Protein change: p.Lys142Asn; replaces lysine 142 with asparagine.
Molecular consequence: missense variant. On other transcripts: 5 prime UTR variant (2), non-coding transcript variant (1).
Genome position (GRCh38, 1-based): chr7:6,002,564, T>G on the plus strand (A>C on the coding strand, the complement: PMS2 is on the minus strand). VCF-style: chr7-6002564-T-G. GRCh37 (hg19) VCF-style: chr7-6042195-T-G.
Other names: c.21A>C, p.Lys7Asn (NM_001322003.2, NM_001322004.2, NM_001322005.2 and 3 more transcripts); c.426A>C, p.Lys142Asn (NM_001322006.2, NM_001322014.2); c.108A>C, p.Lys36Asn (NM_001322007.2, NM_001322008.2); c.-459A>C (NM_001322011.2, NM_001322012.2); c.117A>C, p.Lys39Asn (NM_001322015.2); c.426A>C (NM_000535.5); short protein forms K142N, K36N, K39N, K7N.
Identifiers: ClinVar variation 928802 (VCV000928802.7), dbSNP rs1785218841, ClinGen allele CA366744374.